The following is an entry in ClinVar:

ClinVar aggregate classification (germline): Uncertain significance. Review status: criteria provided, multiple submitters, no conflicts (2 of 4 stars). 5 submissions from 5 submitters: Uncertain significance (5). Last evaluated 2025-05-06.

Conditions:
TTN-related disorder. Also called: TTN-related condition; TTN-related disease; TTN-related disorders.
Hypertrophic cardiomyopathy 9. Also called: Familial hypertrophic cardiomyopathy 9. Identifiers: MedGen C1861065, MONDO:0013412, OMIM 613765.
Dilated cardiomyopathy 1G (CMD1G). Identifiers: Orphanet 154, MedGen C1858763, MONDO:0011400, OMIM 604145.
Autosomal recessive limb-girdle muscular dystrophy type 2J (LGMDR10). Also called: MUSCULAR DYSTROPHY, LIMB-GIRDLE, AUTOSOMAL RECESSIVE 10; Limb-girdle muscular dystrophy, type 2J. Identifiers: Orphanet 140922, MedGen C1837342, MONDO:0012127, OMIM 608807.
Tibial muscular dystrophy (TMD). Also called: Udd Distal Myopathy – Tibial Muscular Dystrophy; Tibial muscular dystrophy, tardive; UDD MYOPATHY. Identifiers: Orphanet 609, MedGen C1838244, MONDO:0010870, OMIM 600334.
Myopathy, myofibrillar, 9, with early respiratory failure (MFM9). Also called: Myopathy, distal, with early respiratory failure, autosomal dominant; Hereditary myopathy with early respiratory failure; EDSTROM MYOPATHY; MYOPATHY, PROXIMAL, WITH EARLY RESPIRATORY MUSCLE INVOLVEMENT. Identifiers: Orphanet 178464, Orphanet 34521, MedGen C1863599, MONDO:0011362, OMIM 603689.
Early-onset myopathy with fatal cardiomyopathy (CMYO5). Also called: CONGENITAL MYOPATHY 5 WITH CARDIOMYOPATHY; Salih Myopathy. Identifiers: Orphanet 289377, MedGen C2673677, MONDO:0012714, OMIM 611705. Disease mechanism: loss of function.

Allele frequency attached by ClinVar (database versions not stated): ExAC 0.00001; TOPMed 0.00002; gnomAD 0.00003.
gnomAD v4.1: 72 of 1,613,776 alleles (0.0045%); highest among the groups gnomAD compares: Non-Finnish European, 0.0053%; no homozygotes.

Submissions (5):

PreventionGenetics, part of Exact Sciences
Classification: Uncertain significance for TTN-related condition. Last evaluated: 2025-05-06. Review status: criteria provided, single submitter. Criteria: ACMG Guidelines, 2015. Collection method: clinical testing. Allele origin: germline.
Comment: The TTN c.4532G>A variant is predicted to result in the amino acid substitution p.Gly1511Asp. To our knowledge, this variant has not been reported in the literature. This variant is reported in 0.0031% of alleles in individuals of European (Non-Finnish) descent in gnomAD. At this time, the clinical significance of this variant is uncertain due to the absence of conclusive functional and genetic evidence.

CeGaT Center for Human Genetics Tuebingen
Classification: Uncertain significance. Last evaluated: 2024-08-01. Review status: criteria provided, single submitter. Criteria: CeGaT Center For Human Genetics Tuebingen Variant Classification Criteria Version 2. Collection method: clinical testing. Allele origin: germline. Affected: yes. Observed: 1 variant allele.
Comment: TTN: PM2, PP3

Fulgent Genetics
Classification: Uncertain significance for Tibial muscular dystrophy; Myopathy, myofibrillar, 9, with early respiratory failure; Dilated cardiomyopathy 1G; Autosomal recessive limb-girdle muscular dystrophy type 2J; Early-onset myopathy with fatal cardiomyopathy; Hypertrophic cardiomyopathy 9. Last evaluated: 2021-08-30. Review status: criteria provided, single submitter. Criteria: ACMG Guidelines, 2015. Collection method: clinical testing. Allele origin: unknown.

Revvity Omics, Revvity
Classification: Uncertain significance. Last evaluated: 2019-11-06. Review status: criteria provided, single submitter. Criteria: ACMG Guidelines, 2015. Collection method: clinical testing. Allele origin: germline.

GeneDx
Classification: Uncertain significance. Last evaluated: 2017-05-16. Review status: criteria provided, single submitter. Criteria: GeneDx Variant Classification (06012015). Collection method: clinical testing. Allele origin: germline. Affected: yes.
Comment: A variant of uncertain significance has been identified in the TTN gene. The G1511D variant has been published in association with HCM (reported as G1465D due to the use of alternate nomenclature) in a patient who also harbored an additional missense variant in the TTN gene (Lopes et al., 2013). The G1511D variant is not observed at a significant frequency in large population cohorts (Lek et al., 2016; 1000 Genomes Consortium et al., 2015; Exome Variant Server). The G1511D variant is a non-conservative amino acid substitution, which is likely to impact secondary protein structure as these residues differ in polarity, charge, size and/or other properties. This substitution occurs at a position that is conserved across species and in silico analysis predicts this variant is probably damaging to the protein structure/function. However, this is a missense variant in a gene in which most reported pathogenic variants are truncating/loss-of-function (Stenson et al., 2014).

NM_001267550.2(TTN):c.4532G>A (p.Gly1511Asp)

Genes: TTN (titin; minus strand), LOC101927055 (uncharacterized LOC101927055; plus strand). Cytogenetic location: 2q31.2.
Variant type: single nucleotide variant.
Coding change: c.4532G>A on transcript NM_001267550.2 (MANE Select); coding-DNA position 4532, G replaced by A.
Protein change: p.Gly1511Asp; replaces glycine 1511 with aspartic acid.
Molecular consequence: missense variant. On other transcripts: non-coding transcript variant (1).
Genome position (GRCh38, 1-based): chr2:178,777,533, C>T on the plus strand (G>A on the coding strand, the complement: TTN is on the minus strand). VCF-style: chr2-178777533-C-T. GRCh37 (hg19) VCF-style: chr2-179642260-C-T.
Other names: c.4532G>A, p.Gly1511Asp (NM_001256850.1, NM_133378.4, NM_133379.5); c.4394G>A, p.Gly1465Asp (NM_003319.4, NM_133432.3, NM_133437.4); short protein forms G1511D, G1465D.
Identifiers: ClinVar variation 430440 (VCV000430440.23), dbSNP rs751606948, ClinGen allele CA2005309.